The following is an entry in ClinVar:

NM_020971.3(SPTBN4):c.1423G>A (p.Glu475Lys)

Gene: SPTBN4 (spectrin beta, non-erythrocytic 4; plus strand). Cytogenetic location: 19q13.2.
Variant type: single nucleotide variant.
Coding change: c.1423G>A on transcript NM_020971.3 (MANE Select); coding-DNA position 1423, G replaced by A.
Protein change: p.Glu475Lys; replaces glutamic acid 475 with lysine.
Molecular consequence: missense variant.
Genome position (GRCh38, 1-based): chr19:40,503,890, G>A. VCF-style: chr19-40503890-G-A. GRCh37 (hg19) VCF-style: chr19-41009797-G-A.
Other names: short protein forms E475K.
Identifiers: ClinVar variation 1033561 (VCV001033561.6), dbSNP rs139202803, ClinGen allele CA9445637.

ClinVar aggregate classification (germline): Uncertain significance. Review status: criteria provided, multiple submitters, no conflicts (2 of 4 stars). 3 submissions from 3 submitters: Uncertain significance (3). Last evaluated 2026-10-22.

Conditions:
Inborn genetic diseases. Identifiers: MedGen C0950123, MeSH D030342.
Neurodevelopmental disorder with hypotonia, neuropathy, and deafness (NEDHND). Also called: Myopathy, congenital, with neuropathy and deafness; SPTBN4 Disorder. Identifiers: MedGen C4479603, MONDO:0060496, OMIM 617519.

Allele frequency attached by ClinVar (database versions not stated): ESP Exome Variant Server 0.00023; ExAC 0.00003; TOPMed 0.00012; gnomAD 0.00013 and 0.00014; gnomAD exomes 0.00007.
gnomAD v4.1: 234 of 1,610,990 alleles (0.015%); highest among the groups gnomAD compares: Non-Finnish European, 0.019%; no homozygotes.

Submissions (3):

GeneDx
Classification: Uncertain significance. Last evaluated: 2026-10-22. Review status: criteria provided, single submitter. Criteria: GeneDx Variant Classification Process June 2021. Collection method: clinical testing. Allele origin: germline.
Comment: Not observed at significant frequency in large population cohorts (gnomAD); In silico analysis supports that this missense variant has a deleterious effect on protein structure/function; Has not been previously published as pathogenic or benign to our knowledge

Ambry Genetics
Classification: Uncertain significance for Inborn genetic diseases. Last evaluated: 2025-08-08. Review status: criteria provided, single submitter. Criteria: Ambry Variant Classification Scheme 2023. Collection method: clinical testing. Allele origin: germline.

Baylor Genetics
Classification: Uncertain significance for Neurodevelopmental disorder with hypotonia, neuropathy, and deafness. Last evaluated: 2018-05-03. Review status: criteria provided, single submitter. Criteria: ACMG Guidelines, 2015. Collection method: clinical testing. Allele origin: maternal. Affected: yes.
Comment: This variant was determined to be of uncertain significance according to ACMG Guidelines, 2015 [PMID:25741868].